The following is an entry in ClinVar:

ClinVar aggregate classification (germline): Uncertain significance. Review status: criteria provided, multiple submitters, no conflicts (2 of 4 stars). 2 submissions from 2 submitters: Uncertain significance (2). Last evaluated 2025-01-14.

Conditions:
Popliteal pterygium syndrome (PPS). Identifiers: Orphanet 294963, MedGen C0265259, MONDO:0017435.
Van der Woude syndrome. Identifiers: Orphanet 888, MedGen C0175697, MONDO:0019508.
Orofacial cleft 6, susceptibility to (OFC6). Also called: CLEFT LIP WITH OR WITHOUT CLEFT PALATE, NONSYNDROMIC, 6. Identifiers: MedGen C1837213, MONDO:0012141, OMIM 608864.

Submissions (2):

GeneDx
Classification: Uncertain significance. Last evaluated: 2025-01-14. Review status: criteria provided, single submitter. Criteria: GeneDx Variant Classification Process June 2021. Collection method: clinical testing. Allele origin: germline. Affected: yes.
Comment: Not observed at significant frequency in large population cohorts (gnomAD); In silico analysis supports that this missense variant has a deleterious effect on protein structure/function; Has not been previously published as pathogenic or benign to our knowledge

Labcorp Genetics (formerly Invitae), Labcorp
Classification: Uncertain significance for Orofacial cleft 6, susceptibility to; Van der Woude syndrome; Popliteal pterygium syndrome. Last evaluated: 2023-04-20. Review status: criteria provided, single submitter. Criteria: Invitae Variant Classification Sherloc (09022015). Collection method: clinical testing. Allele origin: germline.
Comment: In summary, the available evidence is currently insufficient to determine the role of this variant in disease. Therefore, it has been classified as a Variant of Uncertain Significance. This variant disrupts the p.Phe351 amino acid residue in IRF6. Other variant(s) that disrupt this residue have been determined to be pathogenic (Invitae). This suggests that this residue is clinically significant, and that variants that disrupt this residue are likely to be disease-causing. Advanced modeling of protein sequence and biophysical properties (such as structural, functional, and spatial information, amino acid conservation, physicochemical variation, residue mobility, and thermodynamic stability) performed at Invitae indicates that this missense variant is expected to disrupt IRF6 protein function. This missense change has been observed in individual(s) with IRF6-related conditions and/or Van der Woude syndrome (PMID: 23154523; Invitae). This variant is not present in population databases (gnomAD no frequency). This sequence change replaces phenylalanine, which is neutral and non-polar, with leucine, which is neutral and non-polar, at codon 351 of the IRF6 protein (p.Phe351Leu).

Literature cited by the submitters: PubMed 23154523 (cited by Labcorp Genetics (formerly Invitae), Labcorp).

NM_006147.4(IRF6):c.1053C>A (p.Phe351Leu)

Gene: IRF6 (interferon regulatory factor 6; minus strand). Cytogenetic location: 1q32.2.
Variant type: single nucleotide variant.
Coding change: c.1053C>A on transcript NM_006147.4 (MANE Select); coding-DNA position 1053, C replaced by A.
Protein change: p.Phe351Leu; replaces phenylalanine 351 with leucine.
Molecular consequence: missense variant.
Genome position (GRCh38, 1-based): chr1:209,790,502, G>T on the plus strand (C>A on the coding strand, the complement: IRF6 is on the minus strand). VCF-style: chr1-209790502-G-T. GRCh37 (hg19) VCF-style: chr1-209963847-G-T.
Other names: c.768C>A, p.Phe256Leu (NM_001206696.2); c.1053C>A (NM_006147.3); short protein forms F351L, F256L.
Identifiers: ClinVar variation 2945660 (VCV002945660.4), dbSNP rs2464669498, ClinGen allele CA344575039.